The following is an entry in ClinVar:

ClinVar aggregate classification (germline): Pathogenic. Review status: criteria provided, single submitter (1 of 4 stars). 2 submissions from 2 submitters: Pathogenic (1). 1 of the submissions does not count toward it. Last evaluated 2023-06-15.

Submissions (2):

Labcorp Genetics (formerly Invitae), Labcorp
Classification: Pathogenic. Last evaluated: 2023-06-15. Review status: criteria provided, single submitter. Criteria: Invitae Variant Classification Sherloc (09022015). Collection method: clinical testing. Allele origin: germline.
Comment: For these reasons, this variant has been classified as Pathogenic. ClinVar contains an entry for this variant (Variation ID: 592044). This variant has not been reported in the literature in individuals affected with FRAS1-related conditions. This variant is not present in population databases (gnomAD no frequency). This sequence change creates a premature translational stop signal (p.Cys857*) in the FRAS1 gene. It is expected to result in an absent or disrupted protein product. Loss-of-function variants in FRAS1 are known to be pathogenic (PMID: 12766769, 18671281).

Gharavi Laboratory, Columbia University
Classification: Uncertain significance. Last evaluated: 2018-09-16. Review status: no assertion criteria provided. Criteria: ACMG Guidelines, 2015. Collection method: research. Allele origin: germline. Affected: yes. Not counted in ClinVar's aggregate classification.

Literature cited by the submitters: PubMed 12766769 (cited by Labcorp Genetics (formerly Invitae), Labcorp); PubMed 18671281 (cited by Labcorp Genetics (formerly Invitae), Labcorp).

NM_025074.7(FRAS1):c.2571del (p.Ala856_Cys857insTer)

Gene: FRAS1 (Fraser extracellular matrix complex subunit 1; plus strand). Cytogenetic location: 4q21.21.
Variant type: Deletion.
Coding change: c.2571del on transcript NM_025074.7 (MANE Select); coding-DNA position 2571, one base deleted (T; older notation c.2571delT).
Protein change: p.Ala856_Cys857insTer.
Molecular consequence: nonsense.
Genome position (GRCh38, 1-based): chr4:78,363,661, T deleted. VCF-style (leftmost placement, unchanged base first): chr4-78363660-GT-G. GRCh37 (hg19) VCF-style: chr4-79284814-GT-G.
Other names: c.2571del, p.Ala856_Cys857insTer (NM_001166133.2).
Identifiers: ClinVar variation 592044 (VCV000592044.4), dbSNP rs1560681144, ClinGen allele CA891862920.